The following is an entry in ClinVar:

ClinVar aggregate classification (germline): Uncertain significance. Review status: criteria provided, single submitter (1 of 4 stars). 2 submissions from 2 submitters: Uncertain significance (1). 1 of the submissions does not count toward it. Last evaluated 2022-12-06.

Conditions:
Familial hypocalciuric hypercalcemia (FHH). Also called: Familial benign hypercalcemia. Identifiers: Orphanet 405, MedGen C1809471, MONDO:0018458.
Autosomal dominant hypocalcemia 1 (HYPOC1). Also called: HYPOCALCEMIA, FAMILIAL. Identifiers: MedGen C3715128, MONDO:0011013, OMIM 601198.

Submissions (2):

Labcorp Genetics (formerly Invitae), Labcorp
Classification: Uncertain significance for Familial hypocalciuric hypercalcemia; Autosomal dominant hypocalcemia 1. Last evaluated: 2022-12-06. Review status: criteria provided, single submitter. Criteria: Invitae Variant Classification Sherloc (09022015). Collection method: clinical testing. Allele origin: germline.
Comment: Algorithms developed to predict the effect of missense changes on protein structure and function are either unavailable or do not agree on the potential impact of this missense change (SIFT: "Deleterious"; PolyPhen-2: "Possibly Damaging"; Align-GVGD: "Class C0"). In summary, the available evidence is currently insufficient to determine the role of this variant in disease. Therefore, it has been classified as a Variant of Uncertain Significance. ClinVar contains an entry for this variant (Variation ID: 64432). This sequence change replaces arginine, which is basic and polar, with leucine, which is neutral and non-polar, at codon 866 of the CASR protein (p.Arg866Leu). This variant is not present in population databases (gnomAD no frequency). This variant has not been reported in the literature in individuals affected with CASR-related conditions.

Martin Pollak Laboratory,  Beth Israel Deaconess Medical Center
Classification: Uncertain significance. Review status: no assertion criteria provided. Collection method: not provided. Allele origin: unknown. Not counted in ClinVar's aggregate classification.
Comment: Lower and higher UCa2+ groups
ClinVar note: Converted during submission from unknown to Uncertain significance.

NM_000388.4(CASR):c.2597G>T (p.Arg866Leu)

Gene: CASR (calcium sensing receptor; plus strand). Cytogenetic location: 3q21.1.
Variant type: single nucleotide variant.
Coding change: c.2597G>T on transcript NM_000388.4 (MANE Select); coding-DNA position 2597, G replaced by T.
Protein change: p.Arg866Leu; replaces arginine 866 with leucine.
Molecular consequence: missense variant.
Genome position (GRCh38, 1-based): chr3:122,284,551, G>T. VCF-style: chr3-122284551-G-T. GRCh37 (hg19) VCF-style: chr3-122003398-G-T.
Other names: c.2627G>T, p.Arg876Leu (NM_001178065.2); short protein forms R866L, R876L.
Identifiers: ClinVar variation 64432 (VCV000064432.7), dbSNP rs387907401, ClinGen allele CA216128.
Genomic context (GRCh38, chr3:122,284,551, plus strand): 5'-TTGGCTTGCTGGCGTGCATCTTCTTCAACAAGATCTACATCATTCTCTTCAAGCCATCCC[G>T]CAACACCATCGAGGAGGTGCGTTGCAGCACCGCAGCTCACGCTTTCAAGGTGGCTGCCCG-3'
Protein context (NP_000379.3, residues 856-876): KIYIILFKPS[Arg866Leu]NTIEEVRCST